The following is an entry in ClinVar:

ClinVar aggregate classification (germline): Uncertain significance (1 of 4 stars; one submission).

gnomAD v4.1: 6 of 282,164 alleles (0.0021%); highest among the groups gnomAD compares: Non-Finnish European, 0.0031%; no homozygotes.

Submission:

Greenwood Genetic Center Diagnostic Laboratories, Greenwood Genetic Center
Classification: Uncertain significance. Last evaluated: 2025-06-25. Review status: criteria provided, single submitter. Criteria: ACMG Guidelines, 2015. Collection method: clinical testing. Allele origin: germline. Affected: yes.
Comment: PM2, BP4

NM_004615.4(TSPAN7):c.*8-4T>C

Gene: TSPAN7 (tetraspanin 7; plus strand). Cytogenetic location: Xp11.4.
Variant type: single nucleotide variant.
Coding change: c.*8-4T>C on transcript NM_004615.4 (MANE Select); 4 bases into the intron before 8 bases downstream of the stop codon, T replaced by C.
Molecular consequence: intron variant.
Genome position (GRCh38, 1-based): chrX:38,687,935, T>C. VCF-style: chrX-38687935-T-C. GRCh37 (hg19) VCF-style: chrX-38547189-T-C.
Identifiers: ClinVar variation 4538334 (VCV004538334.1).